The following is an entry in ClinVar:

ClinVar aggregate classification (germline): Pathogenic (1 of 4 stars; one submission).

Submission:

Labcorp Genetics (formerly Invitae), Labcorp
Classification: Pathogenic. Last evaluated: 2025-08-16. Review status: criteria provided, single submitter. Criteria: Invitae Variant Classification Sherloc (09022015). Collection method: clinical testing. Allele origin: germline.
Comment: This sequence change creates a premature translational stop signal (p.Val454Glyfs*19) in the SERPING1 gene. While this is not anticipated to result in nonsense mediated decay, it is expected to disrupt the last 47 amino acid(s) of the SERPING1 protein. This variant is not present in population databases (gnomAD no frequency). This premature translational stop signal has been observed in individual(s) with hereditary angioedema (PMID: 31517426). This variant disrupts a region of the SERPING1 protein in which other variant(s) (p.Arg494Gln) have been determined to be pathogenic (PMID: 18586324). This suggests that this is a clinically significant region of the protein, and that variants that disrupt it are likely to be disease-causing. For these reasons, this variant has been classified as Pathogenic.

Literature cited by the submitters: PubMed 31517426; PubMed 18586324.

NM_000062.3(SERPING1):c.1360dup (p.Val454fs)

Gene: SERPING1 (serpin family G member 1; plus strand). Cytogenetic location: 11q12.1.
Variant type: Duplication.
Coding change: c.1360dup on transcript NM_000062.3 (MANE Select); coding-DNA position 1360, one base duplicated (G; older notation c.1360dupG).
Protein change: p.Val454fs; shifts the reading frame from valine 454.
Molecular consequence: frameshift variant.
Genome position (GRCh38, 1-based): chr11:57,614,438, G duplicated; the last of 4 consecutive G bases (chr11:57,614,435-57,614,438); duplicating any one gives the same sequence. VCF-style (leftmost placement, unchanged base first): chr11-57614434-T-TG. GRCh37 (hg19) VCF-style: chr11-57381907-T-TG.
Other names: c.1360dup, p.Val454fs (NM_001032295.2); short protein forms V454fs.
Identifiers: ClinVar variation 4710764 (VCV004710764.1).